The following is an entry in ClinVar:

ClinVar aggregate classification (germline): Uncertain significance (1 of 4 stars; one submission).

Allele frequency attached by ClinVar (database versions not stated): gnomAD exomes below 0.00001; TOPMed 0.00002.
gnomAD v4.1: 3 of 1,614,214 alleles (0.00019%); highest among the groups gnomAD compares: African/African-American, 0.0013%; no homozygotes.

Submission:

Labcorp Genetics (formerly Invitae), Labcorp
Classification: Uncertain significance. Last evaluated: 2025-02-13. Review status: criteria provided, single submitter. Criteria: Invitae Variant Classification Sherloc (09022015). Collection method: clinical testing. Allele origin: germline.
Comment: This sequence change replaces serine, which is neutral and polar, with glycine, which is neutral and non-polar, at codon 353 of the RFWD3 protein (p.Ser353Gly). This variant is not present in population databases (gnomAD no frequency). This variant has not been reported in the literature in individuals affected with RFWD3-related conditions. ClinVar contains an entry for this variant (Variation ID: 2116216). An algorithm developed to predict the effect of missense changes on protein structure and function (PolyPhen-2) suggests that this variant is likely to be tolerated. In summary, the available evidence is currently insufficient to determine the role of this variant in disease. Therefore, it has been classified as a Variant of Uncertain Significance.

NM_018124.4(RFWD3):c.1057A>G (p.Ser353Gly)

Gene: RFWD3 (ring finger and WD repeat domain 3; minus strand). Cytogenetic location: 16q23.1.
Variant type: single nucleotide variant.
Coding change: c.1057A>G on transcript NM_018124.4 (MANE Select); coding-DNA position 1057, A replaced by G.
Protein change: p.Ser353Gly; replaces serine 353 with glycine.
Molecular consequence: missense variant.
Genome position (GRCh38, 1-based): chr16:74,644,384, T>C on the plus strand (A>G on the coding strand, the complement: RFWD3 is on the minus strand). VCF-style: chr16-74644384-T-C. GRCh37 (hg19) VCF-style: chr16-74678282-T-C.
Other names: c.1057A>G, p.Ser353Gly (NM_001370534.1, NM_001370535.1, NM_001370536.1); c.223A>G, p.Ser75Gly (NM_001370537.1, NM_001370539.1, NM_001370540.1 and 3 more transcripts); short protein forms S353G, S75G.
Identifiers: ClinVar variation 2116216 (VCV002116216.4), dbSNP rs1959933672, ClinGen allele CA396762560.